The following is an entry in ClinVar:

ClinVar aggregate classification (germline): Likely benign. Review status: criteria provided, multiple submitters, no conflicts (2 of 4 stars). 2 submissions from 2 submitters: Likely benign (2). Last evaluated 2025-10-02.

Allele frequency attached by ClinVar (database versions not stated): gnomAD 0.00003 and 0.00004; TOPMed 0.00003; ExAC 0.00006; gnomAD exomes 0.00006 and 0.00008; ESP Exome Variant Server 0.00023.
gnomAD v4.1: 116 of 1,613,872 alleles (0.0072%); highest among the groups gnomAD compares: Non-Finnish European, 0.0092%; no homozygotes.

Submissions (2):

Labcorp Genetics (formerly Invitae), Labcorp
Classification: Likely benign. Last evaluated: 2025-10-02. Review status: criteria provided, single submitter. Criteria: Invitae Variant Classification Sherloc (09022015). Collection method: clinical testing. Allele origin: germline.

GeneDx
Classification: Likely benign. Last evaluated: 2018-02-26. Review status: criteria provided, single submitter. Criteria: GeneDx Variant Classification (06012015). Collection method: clinical testing. Allele origin: germline. Affected: yes.
Comment: This variant is considered likely benign or benign based on one or more of the following criteria: it is a conservative change, it occurs at a poorly conserved position in the protein, it is predicted to be benign by multiple in silico algorithms, and/or has population frequency not consistent with disease.

NM_004614.5(TK2):c.231+18G>A

Gene: TK2 (thymidine kinase 2; minus strand). Cytogenetic location: 16q21.
Variant type: single nucleotide variant.
Coding change: c.231+18G>A on transcript NM_004614.5 (MANE Select); 18 bases into the intron after coding-DNA position 231, G replaced by A.
Molecular consequence: intron variant.
Genome position (GRCh38, 1-based): chr16:66,541,861, C>T on the plus strand (G>A on the coding strand, the complement: TK2 is on the minus strand). VCF-style: chr16-66541861-C-T. GRCh37 (hg19) VCF-style: chr16-66575764-C-T.
Other names: c.138+18G>A (NM_001271935.1, NM_001172643.1); c.157-4844G>A (NM_001172644.2); c.231+18G>A (NM_001172645.2); c.84+18G>A (NM_001271934.2); c.-61+18G>A (NM_001272050.2).
Identifiers: ClinVar variation 515507 (VCV000515507.8), dbSNP rs375497454, ClinGen allele CA8093757.
Genomic context (GRCh38, chr16:66,541,861, plus strand): 5'-CAAGGTTAGTCCACACCCTCTATAAATTATCCCATCAAGCTTTCTCCGCTTCCTTCAAAC[C>T]TAGCATAGAGGCTGTACCTCGACGTCTGTCGCGTTGGAGAAGAATTCCAGGCATGTCGTC-3'